The following is an entry in ClinVar:

NM_001142800.2(EYS):c.7748G>T (p.Arg2583Leu)

Gene: EYS (EGF-like photoreceptor maintenance factor; minus strand). Cytogenetic location: 6q12.
Variant type: single nucleotide variant.
Coding change: c.7748G>T on transcript NM_001142800.2 (MANE Select); coding-DNA position 7748, G replaced by T.
Protein change: p.Arg2583Leu; replaces arginine 2583 with leucine.
Molecular consequence: missense variant.
Genome position (GRCh38, 1-based): chr6:63,778,156, C>A on the plus strand (G>T on the coding strand, the complement: EYS is on the minus strand). VCF-style: chr6-63778156-C-A. GRCh37 (hg19) VCF-style: chr6-64488049-C-A.
Other names: c.7748G>T, p.Arg2583Leu (NM_001292009.2); short protein forms R2583L.
Identifiers: ClinVar variation 2074581 (VCV002074581.2), dbSNP rs564020009, ClinGen allele CA140242864.

ClinVar aggregate classification (germline): Uncertain significance. Review status: criteria provided, multiple submitters, no conflicts (2 of 4 stars). 2 submissions from 2 submitters: Uncertain significance (2). Last evaluated 2024-02-08.

Allele frequency attached by ClinVar (database versions not stated): 1000 Genomes Project 30x 0.00031; 1000 Genomes Project 0.00040.
gnomAD v4.1: 9 of 1,551,790 alleles (0.00058%); highest among the groups gnomAD compares: East Asian, 0.02%; no homozygotes.

Submissions (2):

Blueprint Genetics
Classification: Uncertain significance. Last evaluated: 2024-02-08. Review status: criteria provided, single submitter. Criteria: ACMG Guidelines, 2015. Collection method: clinical testing. Allele origin: germline.

Labcorp Genetics (formerly Invitae), Labcorp
Classification: Uncertain significance. Last evaluated: 2021-12-02. Review status: criteria provided, single submitter. Criteria: Invitae Variant Classification Sherloc (09022015). Collection method: clinical testing. Allele origin: germline.
Comment: This sequence change replaces arginine, which is basic and polar, with leucine, which is neutral and non-polar, at codon 2583 of the EYS protein (p.Arg2583Leu). This variant is present in population databases (rs564020009, gnomAD 0.03%). This variant has not been reported in the literature in individuals affected with EYS-related conditions. Algorithms developed to predict the effect of missense changes on protein structure and function are either unavailable or do not agree on the potential impact of this missense change (SIFT: "Deleterious"; PolyPhen-2: "Possibly Damaging"; Align-GVGD: "Class C15"). In summary, the available evidence is currently insufficient to determine the role of this variant in disease. Therefore, it has been classified as a Variant of Uncertain Significance.